The following is an entry in ClinVar:

NM_003235.5(TG):c.1978del (p.Thr660fs)

Gene: TG (thyroglobulin; plus strand). Cytogenetic location: 8q24.22.
Variant type: Deletion.
Coding change: c.1978del on transcript NM_003235.5 (MANE Select); coding-DNA position 1978, one base deleted (A; older notation c.1978delA).
Protein change: p.Thr660fs; shifts the reading frame from threonine 660.
Molecular consequence: frameshift variant.
Genome position (GRCh38, 1-based): chr8:132,887,350, A deleted. VCF-style (leftmost placement, unchanged base first): chr8-132887349-CA-C. GRCh37 (hg19) VCF-style: chr8-133899594-CA-C.
Other names: short protein forms T660fs.
Identifiers: ClinVar variation 2841796 (VCV002841796.3), dbSNP rs1815564741, ClinGen allele CA1820989302.

ClinVar aggregate classification (germline): Pathogenic (1 of 4 stars; one submission).

Allele frequency attached by ClinVar (database versions not stated): TOPMed below 0.00001.

Submission:

Labcorp Genetics (formerly Invitae), Labcorp
Classification: Pathogenic. Last evaluated: 2023-04-08. Review status: criteria provided, single submitter. Criteria: Invitae Variant Classification Sherloc (09022015). Collection method: clinical testing. Allele origin: germline.
Comment: This variant has not been reported in the literature in individuals affected with TG-related conditions. For these reasons, this variant has been classified as Pathogenic. This variant is not present in population databases (gnomAD no frequency). This sequence change creates a premature translational stop signal (p.Thr660Glnfs*61) in the TG gene. It is expected to result in an absent or disrupted protein product. Loss-of-function variants in TG are known to be pathogenic (PMID: 19837936, 23164529).

Literature cited by the submitters: PubMed 19837936; PubMed 23164529.